The following is an entry in ClinVar:

NM_004408.4(DNM1):c.1782-144GA[4]

Gene: DNM1 (dynamin 1; plus strand). Cytogenetic location: 9q34.11.
Variant type: Microsatellite.
Coding change: c.1782-144GA[4] on transcript NM_004408.4 (MANE Select); four copies in a row of the 2-base unit GA starting at c.1782-144.
Molecular consequence: intron variant.
Genome position: GRCh38 VCF-style: chr9-128247230-T-TGAGA. GRCh37 (hg19) VCF-style: chr9-131009509-T-TGAGA.
Other names: c.1782-144GA[4] (NM_001005336.3, NM_001374269.1, NM_001288738.2 and 2 more transcripts).
Identifiers: ClinVar variation 1297392 (VCV001297392.4), dbSNP rs35149422, ClinGen allele CA200365553.

ClinVar aggregate classification (germline): Benign. Review status: criteria provided, multiple submitters, no conflicts (2 of 4 stars). 2 submissions from 2 submitters: Benign (2). Last evaluated 2024-07-15.

Submissions (2):

Unidad de Genómica Garrahan, Hospital de Pediatría Garrahan
Classification: Benign. Last evaluated: 2024-07-15. Review status: criteria provided, single submitter. Criteria: ACMG Guidelines, 2015. Collection method: clinical testing. Allele origin: germline. Affected: no. Observed: 36 variant alleles.
Comment: This variant is classified as Benign based on local population frequency. This variant was detected in 39% of patients studied in a panel designed for Epileptic and Developmental Encephalopathy and Progressive Myoclonus Epilepsy. Number of patients: 36. Only high quality variants are reported.

GeneDx
Classification: Benign. Last evaluated: 2018-06-29. Review status: criteria provided, single submitter. Criteria: GeneDx Variant Classification Process June 2021. Collection method: clinical testing. Allele origin: germline. Affected: yes.